The following is an entry in ClinVar:

NM_006231.4(POLE):c.893A>G (p.Tyr298Cys)

Gene: POLE (DNA polymerase epsilon, catalytic subunit; minus strand). Cytogenetic location: 12q24.33.
Variant type: single nucleotide variant.
Coding change: c.893A>G on transcript NM_006231.4 (MANE Select); coding-DNA position 893, A replaced by G.
Protein change: p.Tyr298Cys; replaces tyrosine 298 with cysteine.
Molecular consequence: missense variant.
Genome position (GRCh38, 1-based): chr12:132,676,562, T>C on the plus strand (A>G on the coding strand, the complement: POLE is on the minus strand). VCF-style: chr12-132676562-T-C. GRCh37 (hg19) VCF-style: chr12-133253148-T-C.
Other names: short protein forms Y298C.
Identifiers: ClinVar variation 969330 (VCV000969330.8), dbSNP rs2043057513, ClinGen allele CA387364192.

ClinVar aggregate classification (germline): Uncertain significance. Review status: criteria provided, multiple submitters, no conflicts (2 of 4 stars). 2 submissions from 2 submitters: Uncertain significance (2). Last evaluated 2025-08-23.

Conditions:
Colorectal cancer, susceptibility to, 12 (CRCS12). Also called: COLORECTAL CANCER, SUSCEPTIBILITY TO, ON CHROMOSOME 12q24. Identifiers: Orphanet 220460, MedGen C3554460, MONDO:0014038, OMIM 615083.
Hereditary cancer-predisposing syndrome. Also called: Neoplastic Syndromes, Hereditary; Hereditary Cancer Syndrome; Tumor predisposition; Hereditary neoplastic syndrome. Identifiers: Orphanet 140162, MedGen C0027672, MeSH D009386, MONDO:0015356.

Allele frequency attached by ClinVar (database versions not stated): gnomAD 0.00001.
gnomAD v4.1: 1 of 1,612,362 alleles (0.000062%); highest among the groups gnomAD compares: Non-Finnish European, 0.000085%; no homozygotes.

Submissions (2):

Ambry Genetics
Classification: Uncertain significance for Hereditary cancer-predisposing syndrome. Last evaluated: 2025-08-23. Review status: criteria provided, single submitter. Criteria: Ambry Variant Classification Scheme 2023. Collection method: clinical testing. Allele origin: germline.

Labcorp Genetics (formerly Invitae), Labcorp
Classification: Uncertain significance for Colorectal cancer, susceptibility to, 12. Last evaluated: 2022-05-10. Review status: criteria provided, single submitter. Criteria: Invitae Variant Classification Sherloc (09022015). Collection method: clinical testing. Allele origin: germline.
Comment: This sequence change replaces tyrosine, which is neutral and polar, with cysteine, which is neutral and slightly polar, at codon 298 of the POLE protein (p.Tyr298Cys). This variant is not present in population databases (gnomAD no frequency). This missense change has been observed in individual(s) with melanoma (PMID: 30414346). ClinVar contains an entry for this variant (Variation ID: 969330). Algorithms developed to predict the effect of missense changes on protein structure and function (SIFT, PolyPhen-2, Align-GVGD) all suggest that this variant is likely to be disruptive. In summary, the available evidence is currently insufficient to determine the role of this variant in disease. Therefore, it has been classified as a Variant of Uncertain Significance.

Literature cited by the submitters: PubMed 30414346 (cited by Labcorp Genetics (formerly Invitae), Labcorp).